The following is an entry in ClinVar:

NC_000017.10:g.(?_29487248)_(29497025_?)del

Gene: NF1 (neurofibromin 1; plus strand). Cytogenetic location: 17q11.2.
Variant type: Deletion.
Identifiers: ClinVar variation 3242873 (VCV003242873.1).

ClinVar aggregate classification (germline): Pathogenic (1 of 4 stars; one submission).

Conditions:
Neurofibromatosis, type 1 (NF1). Also called: VON RECKLINGHAUSEN DISEASE; Neurofibromatosis, type I; Peripheral type neurofibromatosis; NEUROFIBROMATOSIS, TYPE I, SOMATIC. Identifiers: Orphanet 636, MedGen C0027831, MONDO:0018975, OMIM 162200. Disease mechanism: loss of function.

Submission:

Labcorp Genetics (formerly Invitae), Labcorp
Classification: Pathogenic for Neurofibromatosis, type 1. Last evaluated: 2023-09-26. Review status: criteria provided, single submitter. Criteria: Invitae Variant Classification Sherloc (09022015). Collection method: clinical testing. Allele origin: unknown.
Comment: This variant is a gross deletion of the genomic region encompassing exon(s) 4-5 of the NF1 gene. This deletion is out-of-frame, and is expected to create a premature termination codon and result in an absent or disrupted protein product. Loss-of-function variants in NF1 are known to be pathogenic (PMID: 10712197, 23913538). A similar copy number variant has been observed in individual(s) with neurofibromatosis type 1 (PMID: 26189818). For these reasons, this variant has been classified as Pathogenic.

Literature cited by the submitters: PubMed 10712197; PubMed 23913538; PubMed 26189818.